The following is an entry in ClinVar:

ClinVar aggregate classification (germline): Uncertain significance (1 of 4 stars; one submission).

Allele frequency attached by ClinVar (database versions not stated): gnomAD 0.00001; gnomAD exomes 0.00001; TOPMed 0.00002.
gnomAD v4.1: 13 of 1,551,752 alleles (0.00084%); highest among the groups gnomAD compares: Non-Finnish European, 0.001%; no homozygotes.

Submission:

Labcorp Genetics (formerly Invitae), Labcorp
Classification: Uncertain significance. Last evaluated: 2025-06-17. Review status: criteria provided, single submitter. Criteria: Invitae Variant Classification Sherloc (09022015). Collection method: clinical testing. Allele origin: germline.
Comment: This sequence change replaces lysine, which is basic and polar, with glutamic acid, which is acidic and polar, at codon 547 of the DTHD1 protein (p.Lys547Glu). This variant is present in population databases (no rsID available, gnomAD 0.003%). This variant has not been reported in the literature in individuals affected with DTHD1-related conditions. ClinVar contains an entry for this variant (Variation ID: 1054892). An algorithm developed to predict the effect of missense changes on protein structure and function (PolyPhen-2) suggests that this variant is likely to be disruptive. In summary, the available evidence is currently insufficient to determine the role of this variant in disease. Therefore, it has been classified as a Variant of Uncertain Significance.

NM_001170700.3(DTHD1):c.2509A>G (p.Lys837Glu)

Gene: DTHD1 (death domain containing 1; plus strand). Cytogenetic location: 4p14.
Variant type: single nucleotide variant.
Coding change: c.2509A>G on transcript NM_001170700.3 (MANE Select); coding-DNA position 2509, A replaced by G.
Protein change: p.Lys837Glu; replaces lysine 837 with glutamic acid.
Molecular consequence: missense variant. On other transcripts: synonymous variant (1), non-coding transcript variant (2).
Genome position (GRCh38, 1-based): chr4:36,343,612, A>G. VCF-style: chr4-36343612-A-G. GRCh37 (hg19) VCF-style: chr4-36345234-A-G.
Other names: c.1639A>G, p.Lys547Glu (NM_001136536.5); c.1518A>G, p.Ser506= (NM_001378435.1); short protein forms K547E, K837E.
Identifiers: ClinVar variation 1054892 (VCV001054892.9), dbSNP rs1189733909, ClinGen allele CA356682241.